The following is an entry in ClinVar:

ClinVar aggregate classification (germline): Likely benign (1 of 4 stars; one submission).

Allele frequency attached by ClinVar (database versions not stated): ExAC 0.00154; 1000 Genomes Project 30x 0.00219; 1000 Genomes Project 0.00220; TOPMed 0.00362; gnomAD 0.00380.
gnomAD v4.1: 7,283 of 1,304,562 alleles (0.56%); highest among the groups gnomAD compares: Non-Finnish European, 0.68%; 29 homozygotes.

Submission:

CeGaT Center for Human Genetics Tuebingen
Classification: Likely benign. Last evaluated: 2022-05-01. Review status: criteria provided, single submitter. Criteria: CeGaT Center For Human Genetics Tuebingen Variant Classification Criteria Version 2. Collection method: clinical testing. Allele origin: germline. Affected: yes. Observed: 2 variant alleles.
Comment: MPRIP: BP4, BP7

NM_001364716.4(MPRIP):c.4761A>T (p.Thr1587=)

Gene: MPRIP (myosin phosphatase Rho interacting protein; plus strand). Cytogenetic location: 17p11.2.
Variant type: single nucleotide variant.
Coding change: c.4761A>T on transcript NM_001364716.4 (MANE Select); coding-DNA position 4761, A replaced by T.
Protein change: p.Thr1587=; no amino-acid change (threonine 1587 retained).
Molecular consequence: synonymous variant. On other transcripts: intron variant (2).
Genome position (GRCh38, 1-based): chr17:17,166,352, A>T. VCF-style: chr17-17166352-A-T. GRCh37 (hg19) VCF-style: chr17-17069666-A-T.
Other names: c.2163+4996A>T (NM_201274.4, NM_015134.4).
Identifiers: ClinVar variation 2647516 (VCV002647516.24), dbSNP rs193129533, ClinGen allele CA8415175.
Genomic context (GRCh38, chr17:17,166,352, plus strand): 5'-CCAGATTGCTCTGGAGGCCTCGCTGATCAGCCAGATAGCAGATTCCCTGAAGAACACAAC[A>T]TCAGATGTCTCCCGAATGCTCCATGAGATTTCTTGGTCAGGACAGCCACCGATGGAATCT-3'
Protein context (NP_001351645.2, residues 1577-1597): SQIADSLKNT[Thr1587=]SDVSRMLHEI